The following is an entry in ClinVar:

NM_002485.5(NBN):c.2184+8G>C

Gene: NBN (nibrin; minus strand). Cytogenetic location: 8q21.3.
Variant type: single nucleotide variant.
Coding change: c.2184+8G>C on transcript NM_002485.5 (MANE Select); 8 bases into the intron after coding-DNA position 2184, G replaced by C.
Molecular consequence: intron variant.
Genome position (GRCh38, 1-based): chr8:89,943,245, C>G on the plus strand (G>C on the coding strand, the complement: NBN is on the minus strand). VCF-style: chr8-89943245-C-G. GRCh37 (hg19) VCF-style: chr8-90955473-C-G.
Other names: c.1938+8G>C (NM_001024688.3).
Identifiers: ClinVar variation 182709 (VCV000182709.16), dbSNP rs730881842, ClinGen allele CA299580.

ClinVar aggregate classification (germline): Likely benign. Review status: criteria provided, multiple submitters, no conflicts (2 of 4 stars). 5 submissions from 5 submitters: Likely benign (4). 1 of the submissions does not count toward it. Last evaluated 2025-10-13.

Conditions:
Microcephaly, normal intelligence and immunodeficiency (NBS). Also called: SEEMANOVA SYNDROME II; Nijmegen breakage syndrome; Microcephaly with normal intelligence immunodeficiency and lymphoreticular malignancies; Nonsyndromal microcephaly autosomal recessive with normal intelligence; Seemanova syndrome 2; BERLIN BREAKAGE SYNDROME. Identifiers: Orphanet 647, MedGen C0398791, MONDO:0009623, OMIM 251260.

Allele frequency attached by ClinVar (database versions not stated): ExAC 0.00002; gnomAD 0.00002 and 0.00003; gnomAD exomes 0.00002; TOPMed 0.00004.
gnomAD v4.1: 98 of 1,613,456 alleles (0.0061%); highest among the groups gnomAD compares: Non-Finnish European, 0.0078%; no homozygotes.

Submissions (5):

Labcorp Genetics (formerly Invitae), Labcorp
Classification: Likely benign for Microcephaly, normal intelligence and immunodeficiency. Last evaluated: 2025-10-13. Review status: criteria provided, single submitter. Criteria: Invitae Variant Classification Sherloc (09022015). Collection method: clinical testing. Allele origin: germline.

Blueprint Genetics
Classification: Likely benign. Last evaluated: 2024-02-28. Review status: criteria provided, single submitter. Criteria: ACMG Guidelines, 2015. Collection method: clinical testing. Allele origin: germline.

Women's Health and Genetics/Laboratory Corporation of America, LabCorp
Classification: Likely benign. Last evaluated: 2019-01-25. Review status: criteria provided, single submitter. Criteria: LabCorp Variant Classification Summary - May 2015. Collection method: clinical testing. Allele origin: germline.
Comment: Variant summary: NBN c.2184+8G>C alters a non-conserved nucleotide located close to a canonical splice site and therefore could affect mRNA splicing, leading to a significantly altered protein sequence. 5/5 computational tools predict no significant impact on normal splicing. However, these predictions have yet to be confirmed by functional studies. The variant allele was found at a frequency of 1.2e-05 in 246010 control chromosomes. The available data on variant occurrences in the general population are insufficient to allow any conclusion about variant significance. To our knowledge, no occurrence of c.2184+8G>C in individuals affected with Nijmegen Breakage Syndrome and no experimental evidence demonstrating its impact on protein function have been reported. Four clinical diagnostic laboratories have submitted clinical-significance assessments for this variant to ClinVar after 2014 without evidence for independent evaluation. All laboratories classified the variant as likely benign. Based on the evidence outlined above, the variant was classified as likely benign.

GeneDx
Classification: Likely benign. Last evaluated: 2017-08-27. Review status: criteria provided, single submitter. Criteria: GeneDx Variant Classification (06012015). Collection method: clinical testing. Allele origin: germline. Affected: yes.
Comment: This variant is considered likely benign or benign based on one or more of the following criteria: it is a conservative change, it occurs at a poorly conserved position in the protein, it is predicted to be benign by multiple in silico algorithms, and/or has population frequency not consistent with disease.

Counsyl
Classification: Likely benign for Microcephaly, normal intelligence and immunodeficiency. Last evaluated: 2017-10-13. Review status: no assertion criteria provided. Collection method: clinical testing. Allele origin: unknown. Not counted in ClinVar's aggregate classification.